The following is an entry in ClinVar:

ClinVar aggregate classification (germline): Conflicting classifications of pathogenicity. Review status: criteria provided, conflicting classifications (1 of 4 stars). 2 submissions from 2 submitters: Uncertain significance (1); Benign (1). Last evaluated 2026-02-01.

Conditions:
Short stature-optic atrophy-Pelger-Huët anomaly syndrome. Also called: Short stature, optic nerve atrophy, and Pelger-Huet anomaly; Short stature-optic atrophy-Pelger-HuC+t anomaly syndrome. Identifiers: Orphanet 391677, MedGen C3541319, MONDO:0013889, OMIM 614800.

Allele frequency attached by ClinVar (database versions not stated): gnomAD 0.00003 and 0.00007; TOPMed 0.00005; gnomAD exomes 0.00015 and 0.00033; ExAC 0.00032; 1000 Genomes Project 0.00060; 1000 Genomes Project 30x 0.00062.
gnomAD v4.1: 256 of 1,596,432 alleles (0.016%); highest among the groups gnomAD compares: South Asian, 0.22%; 6 homozygotes.

Submissions (2):

Labcorp Genetics (formerly Invitae), Labcorp
Classification: Benign. Last evaluated: 2026-02-01. Review status: criteria provided, single submitter. Criteria: Invitae Variant Classification Sherloc (09022015). Collection method: clinical testing. Allele origin: germline.

Baylor Genetics
Classification: Uncertain significance for Short stature-optic atrophy-Pelger-Huët anomaly syndrome. Last evaluated: 2018-01-24. Review status: criteria provided, single submitter. Criteria: ACMG Guidelines, 2015. Collection method: clinical testing. Allele origin: maternal. Affected: yes.
Comment: This variant was determined to be of uncertain significance according to ACMG Guidelines, 2015 [PMID:25741868].

NM_015909.4(NBAS):c.3360+17A>G

Gene: NBAS (NBAS subunit of NRZ tethering complex; minus strand). Cytogenetic location: 2p24.3.
Variant type: single nucleotide variant.
Coding change: c.3360+17A>G on transcript NM_015909.4 (MANE Select); 17 bases into the intron after coding-DNA position 3360, A replaced by G.
Molecular consequence: intron variant.
Genome position (GRCh38, 1-based): chr2:15,383,198, T>C on the plus strand (A>G on the coding strand, the complement: NBAS is on the minus strand). VCF-style: chr2-15383198-T-C. GRCh37 (hg19) VCF-style: chr2-15523322-T-C.
Identifiers: ClinVar variation 1032707 (VCV001032707.9), dbSNP rs201033267, ClinGen allele CA1536057.